The following is an entry in ClinVar:

ClinVar aggregate classification (germline): Likely benign (0 of 4 stars; one submission).

Conditions:
SGCD-related disorder. Also called: SGCD-related condition.

Submission:

PreventionGenetics, part of Exact Sciences
Classification: Likely benign for SGCD-related condition. Last evaluated: 2023-08-14. Review status: no assertion criteria provided. Collection method: clinical testing. Allele origin: germline.
Comment: This variant is classified as likely benign based on ACMG/AMP sequence variant interpretation guidelines (Richards et al. 2015 PMID: 25741868, with internal and published modifications).

NM_000337.6(SGCD):c.383-56TC[9]

Gene: SGCD (sarcoglycan delta; plus strand). Cytogenetic location: 5q33.3.
Variant type: Microsatellite.
Coding change: c.383-56TC[9] on transcript NM_000337.6 (MANE Select); nine copies in a row of the 2-base unit TC starting at c.383-56; the reference has eight copies in a row; one copy, 2 bases duplicated.
Molecular consequence: intron variant.
Genome position (GRCh38, 1-based): chr5:156,594,890-156,594,891, TC duplicated; duplicating any 2 consecutive bases within chr5:156,594,876-156,594,891 gives the same sequence; the position shown is the placement nearest the transcript's 3' end. VCF-style (leftmost placement, unchanged base first): chr5-156594875-T-TTC. GRCh37 (hg19) VCF-style: chr5-156021885-T-TTC.
Other names: c.380-56TC[9] (NM_001128209.2); c.383-56TC[9] (NM_172244.3).
Identifiers: ClinVar variation 3037677 (VCV003037677.2), dbSNP rs138491950, ClinGen allele CA130623673.